The following is an entry in ClinVar:

NM_004036.5(ADCY3):c.1649A>G (p.Glu550Gly)

Gene: ADCY3 (adenylate cyclase 3; minus strand). Cytogenetic location: 2p23.3.
Variant type: single nucleotide variant.
Coding change: c.1649A>G on transcript NM_004036.5 (MANE Select); coding-DNA position 1649, A replaced by G.
Protein change: p.Glu550Gly; replaces glutamic acid 550 with glycine.
Molecular consequence: missense variant.
Genome position (GRCh38, 1-based): chr2:24,836,930, T>C on the plus strand (A>G on the coding strand, the complement: ADCY3 is on the minus strand). VCF-style: chr2-24836930-T-C. GRCh37 (hg19) VCF-style: chr2-25059799-T-C.
Other names: c.1649A>G, p.Glu550Gly (NM_001320613.2, NM_001377129.1, NM_001377130.1 and 1 more transcripts); c.1715A>G, p.Glu572Gly (NM_001377128.1); c.926A>G, p.Glu309Gly (NM_001377131.1); short protein forms E550G, E572G, E309G.
Identifiers: ClinVar variation 4997983 (VCV004997983.1).

ClinVar aggregate classification (germline): Uncertain significance (1 of 4 stars; one submission).

Conditions:
ADCY3-related disorder. Also called: ADCY3-related condition.

Submission:

PreventionGenetics, part of Exact Sciences
Classification: Uncertain significance for ADCY3-related condition. Last evaluated: 2025-07-15. Review status: criteria provided, single submitter. Criteria: ACMG Guidelines, 2015. Collection method: clinical testing. Allele origin: germline.
Comment: The ADCY3 c.1649A>G variant is predicted to result in the amino acid substitution p.Glu550Gly. To our knowledge, this variant has not been reported in the literature or in a large population database (gnomAD), indicating this variant is rare. At this time, the clinical significance of this variant is uncertain due to the absence of conclusive functional and genetic evidence.